The following is an entry in ClinVar:

ClinVar aggregate classification (germline): Uncertain significance. Review status: criteria provided, multiple submitters, no conflicts (2 of 4 stars). 4 submissions from 4 submitters: Uncertain significance (4). Last evaluated 2025-11-06.

Conditions:
Dilated cardiomyopathy 1G (CMD1G). Identifiers: Orphanet 154, MedGen C1858763, MONDO:0011400, OMIM 604145.
Autosomal recessive limb-girdle muscular dystrophy type 2J (LGMDR10). Also called: Limb-girdle muscular dystrophy, type 2J; MUSCULAR DYSTROPHY, LIMB-GIRDLE, AUTOSOMAL RECESSIVE 10. Identifiers: Orphanet 140922, MedGen C1837342, MONDO:0012127, OMIM 608807.
Cardiovascular phenotype. Identifiers: MedGen CN230736.
TTN-related disorder. Also called: TTN-related disorders; TTN-related condition; TTN-related disease.

Allele frequency attached by ClinVar (database versions not stated): gnomAD 0.00003; TOPMed 0.00006; 1000 Genomes Project 0.00020; 1000 Genomes Project 30x 0.00031.
gnomAD v4.1: 8 of 1,614,000 alleles (0.0005%); highest among the groups gnomAD compares: Admixed American, 0.005%; no homozygotes.

Submissions (4):

PreventionGenetics, part of Exact Sciences
Classification: Uncertain significance for TTN-related condition. Last evaluated: 2025-11-06. Review status: criteria provided, single submitter. Criteria: ACMG Guidelines, 2015. Collection method: clinical testing. Allele origin: germline.
Comment: The TTN c.103486A>G variant is predicted to result in the amino acid substitution p.Thr34496Ala. This variant has been reported as a variant of uncertain significance in a cohort of individuals with dilated cardiomyopathy (Table S4, Smith et al. 2022. PubMed ID: 35470680). This variant is reported in 0.0083% of alleles in individuals of African descent in gnomAD. At this time, the clinical significance of this variant is uncertain due to the absence of conclusive functional and genetic evidence.

Labcorp Genetics (formerly Invitae), Labcorp
Classification: Uncertain significance for Dilated cardiomyopathy 1G; Autosomal recessive limb-girdle muscular dystrophy type 2J. Last evaluated: 2025-10-06. Review status: criteria provided, single submitter. Criteria: Invitae Variant Classification Sherloc (09022015). Collection method: clinical testing. Allele origin: germline.
Comment: This sequence change replaces threonine, which is neutral and polar, with alanine, which is neutral and non-polar, at codon 34496 of the TTN protein (p.Thr34496Ala). This variant is present in population databases (rs183912990, gnomAD 0.008%). This missense change has been observed in individual(s) with autosomal dominant TTN-related cardiomyopathy (internal data). ClinVar contains an entry for this variant (Variation ID: 1349214). Experimental studies and prediction algorithms are not available or were not evaluated, and the functional significance of this variant is currently unknown. This variant is located in the M band of TTN (PMID: 25589632). Non-truncating variants in this region may be relevant for neuromuscular disorders, but have not been definitively shown to cause cardiomyopathy (PMID: 23975875). In summary, the available evidence is currently insufficient to determine the role of this variant in disease. Therefore, it has been classified as a Variant of Uncertain Significance.

Women's Health and Genetics/Laboratory Corporation of America, LabCorp
Classification: Uncertain significance. Last evaluated: 2025-02-10. Review status: criteria provided, single submitter. Criteria: LabCorp Variant Classification Summary - May 2015. Collection method: clinical testing. Allele origin: germline.

Ambry Genetics
Classification: Uncertain significance for Cardiovascular phenotype. Last evaluated: 2019-12-30. Review status: criteria provided, single submitter. Criteria: Ambry Variant Classification Scheme 2023. Collection method: clinical testing. Allele origin: germline.
Comment: The p.T25431A variant (also known as c.76291A>G), located in coding exon 185 of the TTN gene, results from an A to G substitution at nucleotide position 76291. The threonine at codon 25431 is replaced by alanine, an amino acid with similar properties. This amino acid position is well conserved in available vertebrate species. In addition, this alteration is predicted to be tolerated by in silico analysis. Since supporting evidence is limited at this time, the clinical significance of this alteration remains unclear.

Literature cited by the submitters: PubMed 25589632 (cited by Labcorp Genetics (formerly Invitae), Labcorp); PubMed 23975875 (cited by Labcorp Genetics (formerly Invitae), Labcorp).

NM_001267550.2(TTN):c.103486A>G (p.Thr34496Ala)

Genes: TTN (titin; minus strand), TTN-AS1 (TTN antisense RNA 1; plus strand). Cytogenetic location: 2q31.2.
Variant type: single nucleotide variant.
Coding change: c.103486A>G on transcript NM_001267550.2 (MANE Select); coding-DNA position 103486, A replaced by G.
Protein change: p.Thr34496Ala; replaces threonine 34496 with alanine.
Molecular consequence: missense variant.
Genome position (GRCh38, 1-based): chr2:178,533,129, T>C on the plus strand (A>G on the coding strand, the complement: TTN is on the minus strand). VCF-style: chr2-178533129-T-C. GRCh37 (hg19) VCF-style: chr2-179397856-T-C.
Other names: c.98563A>G, p.Thr32855Ala (NM_001256850.1); c.76291A>G, p.Thr25431Ala (NM_003319.4); c.95782A>G, p.Thr31928Ala (NM_133378.4); c.76666A>G, p.Thr25556Ala (NM_133432.3); c.76867A>G, p.Thr25623Ala (NM_133437.4); short protein forms T25556A, T32855A, T31928A, T25623A, T34496A, T25431A.
Identifiers: ClinVar variation 1349214 (VCV001349214.10), dbSNP rs183912990, ClinGen allele CA1985594.